The following is an entry in ClinVar:

ClinVar aggregate classification (germline): Uncertain significance (1 of 4 stars; one submission).

Conditions:
Inborn genetic diseases. Identifiers: MedGen C0950123, MeSH D030342.

Submission:

Ambry Genetics
Classification: Uncertain significance for Inborn genetic diseases. Last evaluated: 2025-02-02. Review status: criteria provided, single submitter. Criteria: Ambry Variant Classification Scheme 2023. Collection method: clinical testing. Allele origin: germline.
Comment: The p.S628Y variant (also known as c.1883C>A), located in coding exon 18 of the ANKRD26 gene, results from a C to A substitution at nucleotide position 1883. The serine at codon 628 is replaced by tyrosine, an amino acid with dissimilar properties. This amino acid position is conserved. In addition, this alteration is predicted to be tolerated by in silico analysis. Based on the available evidence, the clinical significance of this variant remains unclear.

NM_014915.3(ANKRD26):c.1883C>A (p.Ser628Tyr)

Gene: ANKRD26 (ankyrin repeat domain containing 26; minus strand). Cytogenetic location: 10p12.1.
Variant type: single nucleotide variant.
Coding change: c.1883C>A on transcript NM_014915.3 (MANE Select); coding-DNA position 1883, C replaced by A.
Protein change: p.Ser628Tyr; replaces serine 628 with tyrosine.
Molecular consequence: missense variant.
Genome position (GRCh38, 1-based): chr10:27,046,455, G>T on the plus strand (C>A on the coding strand, the complement: ANKRD26 is on the minus strand). VCF-style: chr10-27046455-G-T. GRCh37 (hg19) VCF-style: chr10-27335384-G-T.
Other names: c.1880C>A, p.Ser627Tyr (NM_001256053.2); short protein forms S628Y, S627Y.
Identifiers: ClinVar variation 3870913 (VCV003870913.1).